The following is an entry in ClinVar:

ClinVar aggregate classification (germline): Uncertain significance. Review status: criteria provided, multiple submitters, no conflicts (2 of 4 stars). 2 submissions from 2 submitters: Uncertain significance (2). Last evaluated 2024-03-01.

Conditions:
Neurofibromatosis, type 1 (NF1). Also called: VON RECKLINGHAUSEN DISEASE; NEUROFIBROMATOSIS, TYPE I, SOMATIC; Peripheral type neurofibromatosis; Neurofibromatosis, type I. Identifiers: Orphanet 636, MedGen C0027831, MONDO:0018975, OMIM 162200. Disease mechanism: loss of function.

Submissions (2):

Labcorp Genetics (formerly Invitae), Labcorp
Classification: Uncertain significance for Neurofibromatosis, type 1. Last evaluated: 2024-03-01. Review status: criteria provided, single submitter. Criteria: Invitae Variant Classification Sherloc (09022015). Collection method: clinical testing. Allele origin: germline.
Comment: This variant, c.4227_4228delinsCT, is a complex sequence change that results in the deletion of 2 and insertion of 2 amino acid(s) in the NF1 protein (p.Lys1409_Pro1410delinsAsnSer). Information on the frequency of this variant in the gnomAD database is not available, as this variant may be reported differently in the database. This variant has not been reported in the literature in individuals affected with NF1-related conditions. ClinVar contains an entry for this variant (Variation ID: 561727). Experimental studies and prediction algorithms are not available or were not evaluated, and the functional significance of this variant is currently unknown. In summary, the available evidence is currently insufficient to determine the role of this variant in disease. Therefore, it has been classified as a Variant of Uncertain Significance.

GeneDx
Classification: Uncertain significance. Last evaluated: 2018-01-31. Review status: criteria provided, single submitter. Criteria: GeneDx Variant Classification (06012015). Collection method: clinical testing. Allele origin: germline. Affected: yes.
Comment: This variant is denoted NF1 c.4227_4228delGCinsCT at the cDNA level and p.Lys1409_Pro1410delinsAsnSer (K1409_P1410delinsNS) at the protein level. The surrounding sequence is TAAAAA[delGC][insCT]CACC. The deletion and insertion results in two amino acid substitutions: Lys1409Asn and Pro1410Ser. This combined variant has not, to our knowledge, been reported in the literature as pathogenic or benign. NF1 c.4227_4228delGCinsCT was not observed in large population cohorts (Lek 2016). This variant is located in the GTPase activation protein domain (Thomas 2012). In silico analysis, which includes protein predictors and evolutionary conservation, supports a deleterious effect. Based on currently available evidence, we consider NF1 c.4227_4228delGCinsCT to be a variant of uncertain significance.

NM_001042492.3(NF1):c.4290_4291delinsCT (p.Lys1430_Pro1431delinsAsnSer)

Gene: NF1 (neurofibromin 1; plus strand). Cytogenetic location: 17q11.2.
Variant type: Indel.
Coding change: c.4290_4291delinsCT on transcript NM_001042492.3 (MANE Select); coding-DNA positions 4290 to 4291, GC replaced by CT.
Protein change: p.Lys1430_Pro1431delinsAsnSer.
Molecular consequence: missense variant.
Genome position (GRCh38, 1-based): chr17:31,258,460-31,258,461, GC replaced by CT. VCF-style: chr17-31258460-GC-CT. GRCh37 (hg19) VCF-style: chr17-29585478-GC-CT.
Other names: c.4227_4228delGCinsCT (NM_000267.3); c.4227_4228delGCinsCT, p.Lys1409_Pro1410delinsAsnSer (NM_000267.4).
Identifiers: ClinVar variation 561727 (VCV000561727.3), dbSNP rs1567862024, ClinGen allele CA658824765.